The following is an entry in ClinVar:

ClinVar aggregate classification (germline): Benign/Likely benign. Review status: criteria provided, multiple submitters, no conflicts (2 of 4 stars). 4 submissions from 4 submitters: Benign (1); Likely benign (2). 1 of the submissions does not count toward it. Last evaluated 2026-03-21.

Conditions:
PKD1-related disorder. Also called: PKD1-related condition.

Allele frequency attached by ClinVar (database versions not stated): ExAC 0.00006; ESP Exome Variant Server 0.00008; TOPMed 0.00028.
gnomAD v4.1: 62 of 1,603,660 alleles (0.0039%); highest among the groups gnomAD compares: African/African-American, 0.08%; no homozygotes.

Submissions (4):

Women's Health and Genetics/Laboratory Corporation of America, LabCorp
Classification: Likely benign. Last evaluated: 2026-03-21. Review status: criteria provided, single submitter. Criteria: LabCorp Variant Classification Summary - May 2015. Collection method: clinical testing. Allele origin: germline.

Athena Diagnostics
Classification: Benign. Last evaluated: 2025-10-22. Review status: criteria provided, single submitter. Criteria: Athena Diagnostics Criteria. Collection method: clinical testing. Allele origin: unknown.
Comment: The frequency of this variant in the general population is higher than would generally be expected for pathogenic variants in this gene. Computational tools yielded predictions that this variant is unlikely to have an effect on normal RNA splicing.

CeGaT Center for Human Genetics Tuebingen
Classification: Likely benign. Last evaluated: 2022-06-01. Review status: criteria provided, single submitter. Criteria: CeGaT Center For Human Genetics Tuebingen Variant Classification Criteria Version 2. Collection method: clinical testing. Allele origin: germline. Affected: yes. Observed: 1 variant allele.
Comment: PKD1: BP4, BP7

PreventionGenetics, part of Exact Sciences
Classification: Likely benign for PKD1-related condition. Last evaluated: 2022-06-07. Review status: no assertion criteria provided. Collection method: clinical testing. Allele origin: germline. Not counted in ClinVar's aggregate classification.
Comment: This variant is classified as likely benign based on ACMG/AMP sequence variant interpretation guidelines (Richards et al. 2015 PMID: 25741868, with internal and published modifications).

NM_001009944.3(PKD1):c.8694G>A (p.Val2898=)

Gene: PKD1 (polycystin 1, transient receptor potential channel interacting; minus strand). Cytogenetic location: 16p13.3.
Variant type: single nucleotide variant.
Coding change: c.8694G>A on transcript NM_001009944.3 (MANE Select); coding-DNA position 8694, G replaced by A.
Protein change: p.Val2898=; no amino-acid change (valine 2898 retained).
Molecular consequence: synonymous variant.
Genome position (GRCh38, 1-based): chr16:2,103,363, C>T on the plus strand (G>A on the coding strand, the complement: PKD1 is on the minus strand). VCF-style: chr16-2103363-C-T. GRCh37 (hg19) VCF-style: chr16-2153364-C-T.
Other names: c.8694G>A, p.Val2898= (NM_000296.4); c.8694G>A (NM_000296.3).
Identifiers: ClinVar variation 2645998 (VCV002645998.26), dbSNP rs141252776, ClinGen allele CA7830417.